The following is an entry in ClinVar:

ClinVar aggregate classification (germline): Uncertain significance. Review status: criteria provided, multiple submitters, no conflicts (2 of 4 stars). 4 submissions from 4 submitters: Uncertain significance (4). Last evaluated 2023-06-07.

Conditions:
Emery-Dreifuss muscular dystrophy 4, autosomal dominant (EDMD4). Also called: EMERY-DREIFUSS MUSCULAR DYSTROPHY 4 WITH VARIABLE FEATURES. Identifiers: Orphanet 261, MedGen C2751807, MONDO:0013071, OMIM 612998.
Autosomal recessive ataxia, Beauce type. Also called: SYNE1-Related Autosomal Recessive Cerebellar Ataxia; Spinocerebellar ataxia, autosomal recessive 8; ATAXIA, RECESSIVE, OF BEAUCE; SYNE1 Deficiency. Identifiers: Orphanet 88644, MedGen C1853116, MONDO:0012549, OMIM 610743.
Inborn genetic diseases. Identifiers: MedGen C0950123, MeSH D030342.

Allele frequency attached by ClinVar (database versions not stated): 1000 Genomes Project 30x 0.00031; 1000 Genomes Project 0.00040; ESP Exome Variant Server 0.00015.
gnomAD v4.1: 75 of 1,614,020 alleles (0.0046%); highest among the groups gnomAD compares: African/African-American, 0.077%; 2 homozygotes.

Submissions (4):

Revvity Omics, Revvity
Classification: Uncertain significance. Last evaluated: 2023-06-07. Review status: criteria provided, single submitter. Criteria: ACMG Guidelines, 2015. Collection method: clinical testing. Allele origin: germline.

Labcorp Genetics (formerly Invitae), Labcorp
Classification: Uncertain significance for Emery-Dreifuss muscular dystrophy 4, autosomal dominant; Autosomal recessive ataxia, Beauce type. Last evaluated: 2022-04-09. Review status: criteria provided, single submitter. Criteria: Invitae Variant Classification Sherloc (09022015). Collection method: clinical testing. Allele origin: germline.
Comment: This sequence change replaces lysine, which is basic and polar, with asparagine, which is neutral and polar, at codon 4124 of the SYNE1 protein (p.Lys4124Asn). This variant is present in population databases (rs149536991, gnomAD 0.08%). This variant has not been reported in the literature in individuals affected with SYNE1-related conditions. Algorithms developed to predict the effect of missense changes on protein structure and function (SIFT, PolyPhen-2, Align-GVGD) all suggest that this variant is likely to be disruptive. In summary, the available evidence is currently insufficient to determine the role of this variant in disease. Therefore, it has been classified as a Variant of Uncertain Significance.

Ambry Genetics
Classification: Uncertain significance for Inborn genetic diseases. Last evaluated: 2021-11-12. Review status: criteria provided, single submitter. Criteria: Ambry Variant Classification Scheme 2023. Collection method: clinical testing. Allele origin: germline.

Breakthrough Genomics
Classification: Uncertain significance. Review status: criteria provided, single submitter. Criteria: ACMG Guidelines, 2015. Collection method: not provided. Allele origin: germline. Inheritance: Autosomal recessive inheritance. Affected: yes.

NM_182961.4(SYNE1):c.12585G>T (p.Lys4195Asn)

Gene: SYNE1 (spectrin repeat containing nuclear envelope protein 1; minus strand). Cytogenetic location: 6q25.2.
Variant type: single nucleotide variant.
Coding change: c.12585G>T on transcript NM_182961.4 (MANE Select); coding-DNA position 12585, G replaced by T.
Protein change: p.Lys4195Asn; replaces lysine 4195 with asparagine.
Molecular consequence: missense variant.
Genome position (GRCh38, 1-based): chr6:152,334,217, C>A on the plus strand (G>T on the coding strand, the complement: SYNE1 is on the minus strand). VCF-style: chr6-152334217-C-A. GRCh37 (hg19) VCF-style: chr6-152655352-C-A.
Other names: c.12372G>T, p.Lys4124Asn (NM_033071.5); c.12372G>T (NM_033071.3); short protein forms K4195N, K4124N.
Identifiers: ClinVar variation 1385416 (VCV001385416.7), dbSNP rs149536991, ClinGen allele CA4056351.